The following is an entry in ClinVar:

NM_000191.3(HMGCL):c.425C>T (p.Ser142Phe)

Gene: HMGCL (3-hydroxy-3-methylglutaryl-CoA lyase; minus strand). Cytogenetic location: 1p36.11.
Variant type: single nucleotide variant.
Coding change: c.425C>T on transcript NM_000191.3 (MANE Select); coding-DNA position 425, C replaced by T.
Protein change: p.Ser142Phe; replaces serine 142 with phenylalanine.
Molecular consequence: missense variant. On other transcripts: intron variant (1).
Genome position (GRCh38, 1-based): chr1:23,814,262, G>A on the plus strand (C>T on the coding strand, the complement: HMGCL is on the minus strand). VCF-style: chr1-23814262-G-A. GRCh37 (hg19) VCF-style: chr1-24140752-G-A.
Other names: c.348+2413C>T (NM_001166059.2); short protein forms S142F.
Identifiers: ClinVar variation 3339222 (VCV003339222.1).

ClinVar aggregate classification (germline): Likely pathogenic (1 of 4 stars; one submission).

Conditions:
Deficiency of hydroxymethylglutaryl-CoA lyase (HMGCLD). Also called: HMGCL DEFICIENCY; HYDROXYMETHYLGLUTARIC ACIDURIA; Defect in leucine metabolism; 3-hydroxy-3-methylglutaric aciduria; HMG-CoA LYASE DEFICIENCY. Identifiers: Orphanet 20, MedGen C1533587, MONDO:0009520, OMIM 246450.

Submission:

Women's Health and Genetics/Laboratory Corporation of America, LabCorp
Classification: Likely pathogenic for Deficiency of hydroxymethylglutaryl-CoA lyase. Last evaluated: 2024-07-01. Review status: criteria provided, single submitter. Criteria: LabCorp Variant Classification Summary - May 2015. Collection method: clinical testing. Allele origin: germline.
Comment: Variant summary: HMGCL c.425C>T (p.Ser142Phe) results in a non-conservative amino acid change located in the Pyruvate carboxyltransferase domain (IPR000891) of the encoded protein sequence. Five of five in-silico tools predict a damaging effect of the variant on protein function. The variant was absent in 251476 control chromosomes. c.425C>T has been reported in the literature in a compound heterozygous individual affected with HMG-CoA Lyase Deficiency (Menao_2009). These data do not allow any conclusion about variant significance. At least one publication reports experimental evidence evaluating an impact on protein function. The most pronounced variant effect results in <5% of normal activity in an in vitro assay (Menao_2009). The following publication have been ascertained in the context of this evaluation (PMID: 19177531). No submitters have cited clinical-significance assessments for this variant to ClinVar. Based on the evidence outlined above, the variant was classified as likely pathogenic.

Literature cited by the submitters: PubMed 19177531.